The following is an entry in ClinVar:

ClinVar aggregate classification (germline): Uncertain significance (1 of 4 stars; one submission).

Allele frequency attached by ClinVar (database versions not stated): gnomAD exomes below 0.00001; TOPMed 0.00001.
gnomAD v4.1: 1 of 1,611,888 alleles (0.000062%); highest among the groups gnomAD compares: African/African-American, 0.0013%; no homozygotes.

Submission:

GeneDx
Classification: Uncertain significance. Last evaluated: 2019-09-27. Review status: criteria provided, single submitter. Criteria: GeneDx Variant Classification Process June 2021. Collection method: clinical testing. Allele origin: germline. Affected: yes.
Comment: Not observed in large population cohorts (Lek et al., 2016); In silico analysis, which includes splice predictors and evolutionary conservation, supports that this variant does not alter protein structure/function; Has not been previously published as pathogenic or benign to our knowledge

NM_001122659.3(EDNRB):c.1123G>T (p.Ala375Ser)

Genes: EDNRB (endothelin receptor type B; minus strand), EDNRB-AS1 (EDNRB antisense RNA 1; plus strand). Cytogenetic location: 13q22.3.
Variant type: single nucleotide variant.
Coding change: c.1123G>T on transcript NM_001122659.3 (MANE Select); coding-DNA position 1123, G replaced by T.
Protein change: p.Ala375Ser; replaces alanine 375 with serine.
Molecular consequence: missense variant.
Genome position (GRCh38, 1-based): chr13:77,899,930, C>A on the plus strand (G>T on the coding strand, the complement: EDNRB is on the minus strand). VCF-style: chr13-77899930-C-A. GRCh37 (hg19) VCF-style: chr13-78474065-C-A.
Other names: c.1123G>T, p.Ala375Ser (NM_000115.5, NM_003991.4); c.1393G>T, p.Ala465Ser (NM_001201397.2); short protein forms A375S, A465S.
Identifiers: ClinVar variation 1312265 (VCV001312265.2), dbSNP rs1878848816, ClinGen allele CA388451179.
Genomic context (GRCh38, chr13:77,899,930, plus strand): 5'-TTTTGAATCTTTTGCTCACCAAATACAGAGCAATTGGGTTAATGCAGGAATTCAGTGAAG[C>A]CATGTTGATACCAATATAGTCCAATACCAACAGAAAGCTGCAACAAAATAACCCAAAATG-3'
Protein context (NP_001116131.1, residues 365-385): LVLDYIGINM[Ala375Ser]SLNSCINPIA